The following is an entry in ClinVar:

NM_005732.4(RAD50):c.2719G>A (p.Asp907Asn)

Gene: RAD50 (RAD50 double strand break repair protein; plus strand). Cytogenetic location: 5q31.1.
Variant type: single nucleotide variant.
Coding change: c.2719G>A on transcript NM_005732.4 (MANE Select); coding-DNA position 2719, G replaced by A.
Protein change: p.Asp907Asn; replaces aspartic acid 907 with asparagine.
Molecular consequence: missense variant.
Genome position (GRCh38, 1-based): chr5:132,608,615, G>A. VCF-style: chr5-132608615-G-A. GRCh37 (hg19) VCF-style: chr5-131944307-G-A.
Other names: short protein forms D907N.
Identifiers: ClinVar variation 230746 (VCV000230746.5), dbSNP rs876658743, ClinGen allele CA10578576.
Genomic context (GRCh38, chr5:132,608,615, plus strand): 5'-TGACCCCTAAAGTAAGATAATGGAATATTATATAATACTTTATCTTTTTTATATTTTTAG[G>A]ATGCTAAAGAGCAGGTAAGCCCTTTGGAAACAACATTGGAAAAGTTCCAGCAAGAAAAAG-3'
Protein context (NP_005723.2, residues 897-917): EVQSLYREIK[Asp907Asn]AKEQVSPLET

ClinVar aggregate classification (germline): Uncertain significance (1 of 4 stars; one submission).

Conditions:
Hereditary cancer-predisposing syndrome. Also called: Neoplastic Syndromes, Hereditary; Tumor predisposition; Hereditary Cancer Syndrome; Hereditary neoplastic syndrome. Identifiers: Orphanet 140162, MedGen C0027672, MeSH D009386, MONDO:0015356.

Submission:

Ambry Genetics
Classification: Uncertain significance for Hereditary cancer-predisposing syndrome. Last evaluated: 2015-03-06. Review status: criteria provided, single submitter. Criteria: Ambry Variant Classification Scheme 2023. Collection method: clinical testing. Allele origin: germline.
Comment: The p.D907N variant (also known as c.2719G>A) is located in coding exon 17 of the RAD50 gene. The aspartic acid at codon 907 is replaced by asparagine, an amino acid with highly similar properties. This change occurs in the first base pair of coding exon 17. This amino acid position is well conserved in available vertebrate species. In addition, this alteration is predicted to be tolerated by in silico analysis. Since supporting evidence is limited at this time, the clinical significance of this alteration remains unclear.